The following is an entry in ClinVar:

NM_006939.4(SOS2):c.2687G>A (p.Arg896Lys)

Gene: SOS2 (SOS Ras/Rho guanine nucleotide exchange factor 2; minus strand). Cytogenetic location: 14q21.3.
Variant type: single nucleotide variant.
Coding change: c.2687G>A on transcript NM_006939.4 (MANE Select); coding-DNA position 2687, G replaced by A.
Protein change: p.Arg896Lys; replaces arginine 896 with lysine.
Molecular consequence: missense variant.
Genome position (GRCh38, 1-based): chr14:50,140,040, C>T on the plus strand (G>A on the coding strand, the complement: SOS2 is on the minus strand). VCF-style: chr14-50140040-C-T. GRCh37 (hg19) VCF-style: chr14-50606758-C-T.
Other names: c.2588G>A, p.Arg863Lys (NM_001411020.1); short protein forms R863K, R896K.
Identifiers: ClinVar variation 3321564 (VCV003321564.1).

ClinVar aggregate classification (germline): Uncertain significance (1 of 4 stars; one submission).

Conditions:
Cardiovascular phenotype. Identifiers: MedGen CN230736.

gnomAD v4.1: 6 of 1,592,892 alleles (0.00038%); highest among the groups gnomAD compares: Non-Finnish European, 0.00052%; no homozygotes.

Submission:

Ambry Genetics
Classification: Uncertain significance for Cardiovascular phenotype. Last evaluated: 2024-06-23. Review status: criteria provided, single submitter. Criteria: Ambry Variant Classification Scheme 2023. Collection method: clinical testing. Allele origin: germline.
Comment: The p.R896K variant (also known as c.2687G>A), located in coding exon 17 of the SOS2 gene, results from a G to A substitution at nucleotide position 2687. The arginine at codon 896 is replaced by lysine, an amino acid with highly similar properties. This amino acid position is conserved. In addition, this alteration is predicted to be tolerated by in silico analysis. Based on the available evidence, the clinical significance of this variant remains unclear.